The following is an entry in ClinVar:

NM_003072.5(SMARCA4):c.2704G>A (p.Val902Met)

Gene: SMARCA4 (SWI/SNF related BAF chromatin remodeling complex subunit ATPase 4; plus strand). Cytogenetic location: 19p13.2.
Variant type: single nucleotide variant.
Coding change: c.2704G>A on transcript NM_003072.5 (MANE Select); coding-DNA position 2704, G replaced by A.
Protein change: p.Val902Met; replaces valine 902 with methionine.
Molecular consequence: missense variant. On other transcripts: non-coding transcript variant (1).
Genome position (GRCh38, 1-based): chr19:11,021,812, G>A. VCF-style: chr19-11021812-G-A. GRCh37 (hg19) VCF-style: chr19-11132488-G-A.
Other names: c.2704G>A, p.Val902Met (NM_001128844.3, NM_001128845.2, NM_001128846.2 and 5 more transcripts); short protein forms V902M.
Identifiers: ClinVar variation 689790 (VCV000689790.14), dbSNP rs1600278307, ClinGen allele CA404056104.

ClinVar aggregate classification (germline): Conflicting classifications of pathogenicity. Review status: criteria provided, conflicting classifications (1 of 4 stars). 6 submissions from 5 submitters: Likely pathogenic (3); Uncertain significance (3). Last evaluated 2025-03-27.

Conditions:
Hereditary cancer-predisposing syndrome. Also called: Neoplastic Syndromes, Hereditary; Tumor predisposition; Hereditary neoplastic syndrome; Hereditary Cancer Syndrome. Identifiers: Orphanet 140162, MedGen C0027672, MeSH D009386, MONDO:0015356.
Rhabdoid tumor predisposition syndrome 2 (RTPS2). Identifiers: Orphanet 231108, Orphanet 69077, MedGen C2750074, MONDO:0013224, OMIM 613325.
Intellectual disability, autosomal dominant 16 (CSS4). Also called: COFFIN-SIRIS SYNDROME 4. Identifiers: Orphanet 1465, MedGen C3553249, MONDO:0013821, OMIM 614609.
SMARCA4-related BAFopathy.

Submissions (6):

Ambry Genetics
Classification: Uncertain significance for Hereditary cancer-predisposing syndrome. Last evaluated: 2025-03-27. Review status: criteria provided, single submitter. Criteria: Ambry Variant Classification Scheme 2023. Collection method: clinical testing. Allele origin: germline.
Comment: The p.V902M variant (also known as c.2704G>A), located in coding exon 18 of the SMARCA4 gene, results from a G to A substitution at nucleotide position 2704. The valine at codon 902 is replaced by methionine, an amino acid with highly similar properties. This variant was identified in a cohort of patients, the majority of who had developmental delays and/or intellectual delays, referred for clinical exome sequencing (Chen CA et al. Genet Med, 2022 Feb;24:364-373). This amino acid position is well conserved in available vertebrate species. In addition, this alteration is predicted to be tolerated by in silico analysis. Missense and in-frame variants in SMARCA4 are known to cause neurodevelopmental disorders; however, such associations with rhabdoid tumor predisposition syndrome including small cell carcinoma of the ovary-hypercalcemic type (SCCOHT) are exceedingly rare (Kosho T et al. Am J Med Genet C Semin Med Genet. 2014 Sep;166C(3):262-75; Jelinic P et al. Nat Genet. 2014 May;46(5):424-6). Based on the supporting evidence, the association of this alteration with Coffin-Siris syndrome is unknown; however, the association of this alteration with rhabdoid tumor predisposition syndrome is unlikely.

Daryl Scott Lab, Baylor College of Medicine
Classification: Likely pathogenic for Intellectual disability, autosomal dominant 16. Last evaluated: 2024-04-01. Review status: criteria provided, single submitter. Criteria: ACMG Guidelines, 2015. Collection method: clinical testing. Allele origin: de novo. Observed: 1 heterozygote.
Comment: PS2, PM2

Labcorp Genetics (formerly Invitae), Labcorp
Classification: Uncertain significance for Rhabdoid tumor predisposition syndrome 2. Last evaluated: 2022-12-20. Review status: criteria provided, single submitter. Criteria: Invitae Variant Classification Sherloc (09022015). Collection method: clinical testing. Allele origin: germline.
Comment: In summary, the available evidence is currently insufficient to determine the role of this variant in disease. Therefore, it has been classified as a Variant of Uncertain Significance. This sequence change replaces valine, which is neutral and non-polar, with methionine, which is neutral and non-polar, at codon 902 of the SMARCA4 protein (p.Val902Met). This variant is not present in population databases (gnomAD no frequency). This missense change has been observed in individual(s) with unspecified Mendelian disease (PMID: 31216405). ClinVar contains an entry for this variant (Variation ID: 689790). Advanced modeling of protein sequence and biophysical properties (such as structural, functional, and spatial information, amino acid conservation, physicochemical variation, residue mobility, and thermodynamic stability) performed at Invitae indicates that this missense variant is not expected to disrupt SMARCA4 protein function.

Genome-Nilou Lab
Classification: Uncertain significance for Intellectual disability, autosomal dominant 16. Last evaluated: 2021-07-15. Review status: criteria provided, single submitter. Criteria: ACMG Guidelines, 2015. Collection method: clinical testing. Allele origin: germline. Affected: no.

Baylor Genetics
Classification: Likely pathogenic for SMARCA4-related BAFopathy. Last evaluated: 2021-06-10. Review status: criteria provided, single submitter. Criteria: ACMG Guidelines, 2015. Collection method: clinical testing. Allele origin: de novo. Affected: yes.

Baylor Genetics
Classification: Likely pathogenic for Intellectual disability, autosomal dominant 16. Last evaluated: 2017-12-31. Review status: criteria provided, single submitter. Criteria: ACMG Guidelines, 2015. Collection method: clinical testing. Allele origin: germline. Affected: yes.

Literature cited by the submitters: PubMed 34906496 (cited by Ambry Genetics); PubMed 31216405 (cited by Labcorp Genetics (formerly Invitae), Labcorp).